The following is an entry in ClinVar:

ClinVar aggregate classification (germline): Benign (1 of 4 stars; one submission).

Conditions:
Focal segmental glomerulosclerosis 2 (FSGS2). Identifiers: Orphanet 656, MedGen C1858915, MONDO:0011390, OMIM 603965.

Allele frequency attached by ClinVar (database versions not stated): gnomAD exomes 0.00024; ExAC 0.00026; 1000 Genomes Project 30x 0.00047; 1000 Genomes Project 0.00060; gnomAD 0.00078 and 0.00082; TOPMed 0.00085; ESP Exome Variant Server 0.00115.
gnomAD v4.1: 246 of 1,611,270 alleles (0.015%); highest among the groups gnomAD compares: African/African-American, 0.29%; no homozygotes.

Submission:

Illumina Laboratory Services, Illumina
Classification: Benign for Focal segmental glomerulosclerosis 2. Last evaluated: 2018-01-12. Review status: criteria provided, single submitter. Criteria: ICSL Variant Classification Criteria 13 December 2019. Collection method: clinical testing. Allele origin: germline.
Comment: This variant was observed in the ICSL laboratory as part of a predisposition screen in an ostensibly healthy population. It had not been previously curated by ICSL or reported in the Human Gene Mutation Database (HGMD: prior to June 1st, 2018), and was therefore a candidate for classification through an automated scoring system. Utilizing variant allele frequency, disease prevalence and penetrance estimates, and inheritance mode, an automated score was calculated to assess if this variant is too frequent to cause the disease. Based on the score and internal cut-off values, a variant classified as benign is not then subjected to further curation. The score for this variant resulted in a classification of benign for this disease.

NM_004621.6(TRPC6):c.*40T>G

Gene: TRPC6 (transient receptor potential cation channel subfamily C member 6; minus strand). Cytogenetic location: 11q22.1.
Variant type: single nucleotide variant.
Coding change: c.*40T>G on transcript NM_004621.6 (MANE Select); 40 bases downstream of the stop codon, T replaced by G.
Molecular consequence: 3 prime UTR variant.
Genome position (GRCh38, 1-based): chr11:101,452,915, A>C on the plus strand (T>G on the coding strand, the complement: TRPC6 is on the minus strand). VCF-style: chr11-101452915-A-C. GRCh37 (hg19) VCF-style: chr11-101323646-A-C.
Identifiers: ClinVar variation 301894 (VCV000301894.5), dbSNP rs201285907, ClinGen allele CA6244006.